The following is an entry in ClinVar:

NM_177438.3(DICER1):c.1733C>G (p.Thr578Ser)

Gene: DICER1 (dicer 1, ribonuclease III; minus strand). Cytogenetic location: 14q32.13.
Variant type: single nucleotide variant.
Coding change: c.1733C>G on transcript NM_177438.3 (MANE Select); coding-DNA position 1733, C replaced by G.
Protein change: p.Thr578Ser; replaces threonine 578 with serine.
Molecular consequence: missense variant.
Genome position (GRCh38, 1-based): chr14:95,116,472, G>C on the plus strand (C>G on the coding strand, the complement: DICER1 is on the minus strand). VCF-style: chr14-95116472-G-C. GRCh37 (hg19) VCF-style: chr14-95582809-G-C.
Other names: c.1733C>G, p.Thr578Ser (NM_001195573.1, NM_001271282.3, NM_001291628.2 and 1 more transcripts); short protein forms T578S.
Identifiers: ClinVar variation 412041 (VCV000412041.19), dbSNP rs1060503586, ClinGen allele CA16614688.
Genomic context (GRCh38, chr14:95,116,472, plus strand): 5'-TTTTCCCAATCTGCCGGCACATGTTAATATGTTGATCTTACCTTTTCAATAGCTTTGTAG[G>C]TTTTAAGGTCTTCTTCAAAACTTTTTATTTTGTCTGTATCCGCTAACATTATATAATTAG-3'
Protein context (NP_803187.1, residues 568-588): KIKSFEEDLK[Thr578Ser]YKAIEKILRN

ClinVar aggregate classification (germline): Uncertain significance. Review status: criteria provided, multiple submitters, no conflicts (2 of 4 stars). 4 submissions from 4 submitters: Uncertain significance (4). Last evaluated 2025-12-21.

Conditions:
Hereditary cancer-predisposing syndrome. Also called: Hereditary neoplastic syndrome; Neoplastic Syndromes, Hereditary; Tumor predisposition; Hereditary Cancer Syndrome. Identifiers: Orphanet 140162, MedGen C0027672, MeSH D009386, MONDO:0015356.
DICER1-related tumor predisposition. Also called: DICER1-related pleuropulmonary blastoma cancer predisposition syndrome; DICER1 syndrome. Identifiers: Orphanet 284343, MedGen C3839822, MONDO:0100216.
Rhabdomyosarcoma, embryonal, 2 (RMSE2). Identifiers: MedGen C1867234, MONDO:0859046, OMIM 180295.
Euthyroid goiter (MNG1). Also called: Goiter, multinodular 1, with or without Sertoli-Leydig cell tumors; GOITER, NONTOXIC, WITH INTRATHYROIDAL CALCIFICATION; MULTINODULAR GOITER, ADOLESCENT; SIMPLE GOITER. Identifiers: Orphanet 276399, MedGen C0302859, MONDO:0007681, OMIM 138800, HP:0009798.
Pleuropulmonary blastoma (PPB). Identifiers: Orphanet 64742, MedGen C1266144, MONDO:0011014, OMIM 601200, HP:0100528.
Global developmental delay - lung cysts - overgrowth - Wilms tumor syndrome. Also called: GLOW Syndrome; GLOBAL DEVELOPMENTAL DELAY, LUNG CYSTS, OVERGROWTH, AND WILMS TUMOR. Identifiers: Orphanet 404476, MedGen C4748924, MONDO:0018445, OMIM 618272.

Allele frequency attached by ClinVar (database versions not stated): gnomAD 0.00001; TOPMed 0.00002.

Submissions (4):

Labcorp Genetics (formerly Invitae), Labcorp
Classification: Uncertain significance for DICER1-related tumor predisposition. Last evaluated: 2025-12-21. Review status: criteria provided, single submitter. Criteria: Invitae Variant Classification Sherloc (09022015). Collection method: clinical testing. Allele origin: germline.
Comment: This sequence change replaces threonine, which is neutral and polar, with serine, which is neutral and polar, at codon 578 of the DICER1 protein (p.Thr578Ser). This variant is not present in population databases (gnomAD no frequency). This variant has not been reported in the literature in individuals affected with DICER1-related conditions. ClinVar contains an entry for this variant (Variation ID: 412041). Invitae Evidence Modeling of protein sequence and biophysical properties (such as structural, functional, and spatial information, amino acid conservation, physicochemical variation, residue mobility, and thermodynamic stability) indicates that this missense variant is not expected to disrupt DICER1 protein function with a negative predictive value of 95%. In summary, the available evidence is currently insufficient to determine the role of this variant in disease. Therefore, it has been classified as a Variant of Uncertain Significance.

Fulgent Genetics
Classification: Uncertain significance for Euthyroid goiter; Rhabdomyosarcoma, embryonal, 2; Pleuropulmonary blastoma; Global developmental delay - lung cysts - overgrowth - Wilms tumor syndrome. Last evaluated: 2024-04-30. Review status: criteria provided, single submitter. Criteria: ACMG Guidelines, 2015. Collection method: clinical testing. Allele origin: germline.

Ambry Genetics
Classification: Uncertain significance for Hereditary cancer-predisposing syndrome. Last evaluated: 2023-05-02. Review status: criteria provided, single submitter. Criteria: Ambry Variant Classification Scheme 2023. Collection method: clinical testing. Allele origin: germline.
Comment: The p.T578S variant (also known as c.1733C>G), located in coding exon 9 of the DICER1 gene, results from a C to G substitution at nucleotide position 1733. The threonine at codon 578 is replaced by serine, an amino acid with similar properties. This amino acid position is highly conserved in available vertebrate species. In addition, this alteration is predicted to be tolerated by in silico analysis. Since supporting evidence is limited at this time, the clinical significance of this alteration remains unclear.

GeneDx
Classification: Uncertain significance. Last evaluated: 2022-12-13. Review status: criteria provided, single submitter. Criteria: GeneDx Variant Classification Process June 2021. Collection method: clinical testing. Allele origin: germline. Affected: yes.
Comment: Not observed at significant frequency in large population cohorts (gnomAD); In silico analysis supports that this missense variant does not alter protein structure/function; Has not been previously published as pathogenic or benign to our knowledge